The following is an entry in ClinVar:

NM_002335.4(LRP5):c.4788C>T (p.Thr1596=)

Gene: LRP5 (LDL receptor related protein 5; plus strand). Cytogenetic location: 11q13.2.
Variant type: single nucleotide variant.
Coding change: c.4788C>T on transcript NM_002335.4 (MANE Select); coding-DNA position 4788, C replaced by T.
Protein change: p.Thr1596=; no amino-acid change (threonine 1596 retained).
Molecular consequence: synonymous variant.
Genome position (GRCh38, 1-based): chr11:68,449,010, C>T. VCF-style: chr11-68449010-C-T. GRCh37 (hg19) VCF-style: chr11-68216478-C-T.
Other names: p.Thr1596=; c.3045C>T, p.Thr1015= (NM_001291902.2).
Identifiers: ClinVar variation 258641 (VCV000258641.21), dbSNP rs113442867, ClinGen allele CA6150511.

ClinVar aggregate classification (germline): Benign. Review status: criteria provided, multiple submitters, no conflicts (2 of 4 stars). 11 submissions from 11 submitters: Benign (9). 2 of the submissions do not count toward it. Last evaluated 2026-02-04.

Conditions:
Osteogenesis imperfecta (OI). Identifiers: Orphanet 666, MedGen C0029434, MeSH D010013, MONDO:0019019.

Allele frequency attached by ClinVar (database versions not stated): 1000 Genomes Project 0.00459; 1000 Genomes Project 30x 0.00468; gnomAD 0.01233; TOPMed 0.01382; ESP Exome Variant Server 0.01702.
gnomAD v4.1: 28,028 of 1,599,766 alleles (1.8%); highest among the groups gnomAD compares: Middle Eastern, 2%; 327 homozygotes.

Submissions (11):

Labcorp Genetics (formerly Invitae), Labcorp
Classification: Benign. Last evaluated: 2026-02-04. Review status: criteria provided, single submitter. Criteria: Invitae Variant Classification Sherloc (09022015). Collection method: clinical testing. Allele origin: germline.

Blueprint Genetics
Classification: Benign. Last evaluated: 2024-11-27. Review status: criteria provided, single submitter. Criteria: ACMG Guidelines, 2015. Collection method: clinical testing. Allele origin: germline.

ARUP Laboratories, Molecular Genetics and Genomics, ARUP Laboratories
Classification: Benign. Last evaluated: 2024-10-04. Review status: criteria provided, single submitter. Criteria: ARUP Molecular Germline Variant Investigation Process 2024. Collection method: clinical testing. Allele origin: germline.

Mayo Clinic Laboratories, Mayo Clinic
Classification: Benign. Last evaluated: 2023-02-06. Review status: criteria provided, single submitter. Criteria: ACMG Guidelines, 2015. Collection method: clinical testing. Allele origin: germline. Observed: 9 variant alleles.

Genome Diagnostics Laboratory, The Hospital for Sick Children
Classification: Benign for Osteogenesis imperfecta. Last evaluated: 2022-05-10. Review status: criteria provided, single submitter. Criteria: ACMG Guidelines, 2015. Collection method: clinical testing. Allele origin: germline.

GeneDx
Classification: Benign. Last evaluated: 2019-04-30. Review status: criteria provided, single submitter. Criteria: GeneDx Variant Classification Process June 2021. Collection method: clinical testing. Allele origin: germline. Affected: yes.
Comment: This variant is associated with the following publications: (PMID: 15981244, 12579474, 16234968, 18721193)

Athena Diagnostics
Classification: Benign. Last evaluated: 2018-03-27. Review status: criteria provided, single submitter. Criteria: Athena Diagnostics Criteria. Collection method: clinical testing. Allele origin: germline.

Breakthrough Genomics
Classification: Benign. Review status: criteria provided, single submitter. Criteria: ACMG Guidelines, 2015. Collection method: not provided. Allele origin: germline. Inheritance: Autosomal recessive inheritance. Affected: yes.

PreventionGenetics, part of Exact Sciences
Classification: Benign. Review status: criteria provided, single submitter. Criteria: ACMG Guidelines, 2015. Collection method: clinical testing. Allele origin: germline.

Clinical Genetics DNA and cytogenetics Diagnostics Lab, Erasmus MC, Erasmus Medical Center
Classification: Likely benign. Review status: no assertion criteria provided. Collection method: clinical testing. Allele origin: germline. Affected: yes. Study: VKGL Data-share Consensus. Not counted in ClinVar's aggregate classification.

Genome Diagnostics Laboratory, Amsterdam University Medical Center
Classification: Benign. Review status: no assertion criteria provided. Collection method: clinical testing. Allele origin: germline. Affected: yes. Study: VKGL Data-share Consensus. Not counted in ClinVar's aggregate classification.

Literature cited by the submitters: PubMed 16234968 (cited by Athena Diagnostics); PubMed 12579474 (cited by Athena Diagnostics); PubMed 18721193 (cited by Athena Diagnostics).